The following is an entry in ClinVar:

NM_004366.6(CLCN2):c.*7C>T

Gene: CLCN2 (chloride voltage-gated channel 2; minus strand). Cytogenetic location: 3q27.1.
Variant type: single nucleotide variant.
Coding change: c.*7C>T on transcript NM_004366.6 (MANE Select); 7 bases downstream of the stop codon, C replaced by T.
Molecular consequence: 3 prime UTR variant.
Genome position (GRCh38, 1-based): chr3:184,346,599, G>A on the plus strand (C>T on the coding strand, the complement: CLCN2 is on the minus strand). VCF-style: chr3-184346599-G-A. GRCh37 (hg19) VCF-style: chr3-184064387-G-A.
Other names: c.*7C>T (NM_001171087.3, NM_001171088.3, NM_001171089.3).
Identifiers: ClinVar variation 4987055 (VCV004987055.1).

ClinVar aggregate classification (germline): Benign (1 of 4 stars; one submission).

Conditions:
CLCN2-related disorder. Also called: CLCN2-related condition; CLCN2-related disorders.

gnomAD v4.1: 481 of 1,613,832 alleles (0.03%); highest among the groups gnomAD compares: South Asian, 0.48%; 15 homozygotes.

Submission:

PreventionGenetics, part of Exact Sciences
Classification: Benign for CLCN2-related condition. Last evaluated: 2025-12-30. Review status: criteria provided, single submitter. Criteria: ACMG Guidelines, 2015. Collection method: clinical testing. Allele origin: germline.
Comment: This variant is classified as benign based on ACMG/AMP sequence variant interpretation guidelines (Richards et al. 2015 PMID: 25741868, with internal and published modifications).